The following is an entry in ClinVar:

ClinVar aggregate classification (germline): Uncertain significance (1 of 4 stars; one submission).

Conditions:
Frontotemporal dementia and/or amyotrophic lateral sclerosis 7 (FTDALS7). Also called: CHMP2B-Related Frontotemporal Dementia-Amyotrophic Lateral Sclerosis; CHMP2B-related frontotemporal dementia; AMYOTROPHIC LATERAL SCLEROSIS, CHMP2B-RELATED; Amyotrophic lateral sclerosis 17. Identifiers: Orphanet 275864, Orphanet 282, Orphanet 803, MedGen C1833296, MONDO:0010936, OMIM 600795.

Submission:

Labcorp Genetics (formerly Invitae), Labcorp
Classification: Uncertain significance for Frontotemporal dementia and/or amyotrophic lateral sclerosis 7. Last evaluated: 2023-12-01. Review status: criteria provided, single submitter. Criteria: Invitae Variant Classification Sherloc (09022015). Collection method: clinical testing. Allele origin: germline.
Comment: This sequence change replaces asparagine, which is neutral and polar, with aspartic acid, which is acidic and polar, at codon 127 of the CHMP2B protein (p.Asn127Asp). This variant is not present in population databases (gnomAD no frequency). This variant has not been reported in the literature in individuals affected with CHMP2B-related conditions. An algorithm developed to predict the effect of missense changes on protein structure and function (PolyPhen-2) suggests that this variant is likely to be tolerated. In summary, the available evidence is currently insufficient to determine the role of this variant in disease. Therefore, it has been classified as a Variant of Uncertain Significance.

NM_014043.4(CHMP2B):c.379A>G (p.Asn127Asp)

Gene: CHMP2B (charged multivesicular body protein 2B; plus strand). Cytogenetic location: 3p11.2.
Variant type: single nucleotide variant.
Coding change: c.379A>G on transcript NM_014043.4 (MANE Select); coding-DNA position 379, A replaced by G.
Protein change: p.Asn127Asp; replaces asparagine 127 with aspartic acid.
Molecular consequence: missense variant.
Genome position (GRCh38, 1-based): chr3:87,249,932, A>G. VCF-style: chr3-87249932-A-G. GRCh37 (hg19) VCF-style: chr3-87299082-A-G.
Other names: c.256A>G, p.Asn86Asp (NM_001244644.2); c.475A>G, p.Asn159Asp (NM_001410777.1); short protein forms N127D, N86D, N159D.
Identifiers: ClinVar variation 2953727 (VCV002953727.3), dbSNP rs2471769433, ClinGen allele CA353697316.